The following is an entry in ClinVar:

NM_173598.6(KSR2):c.729G>A (p.Ser243=)

Gene: KSR2 (kinase suppressor of ras 2; minus strand). Cytogenetic location: 12q24.23.
Variant type: single nucleotide variant.
Coding change: c.729G>A on transcript NM_173598.6 (MANE Select); coding-DNA position 729, G replaced by A.
Protein change: p.Ser243=; no amino-acid change (serine 243 retained).
Molecular consequence: synonymous variant.
Genome position (GRCh38, 1-based): chr12:117,761,268, C>T on the plus strand (G>A on the coding strand, the complement: KSR2 is on the minus strand). VCF-style: chr12-117761268-C-T. GRCh37 (hg19) VCF-style: chr12-118199073-C-T.
Identifiers: ClinVar variation 4977027 (VCV004977027.1).

ClinVar aggregate classification (germline): Likely benign (1 of 4 stars; one submission).

Conditions:
KSR2-related disorder. Also called: KSR2-related condition.

gnomAD v4.1: 12 of 1,528,440 alleles (0.00079%); highest among the groups gnomAD compares: East Asian, 0.011%; no homozygotes.

Submission:

PreventionGenetics, part of Exact Sciences
Classification: Likely benign for KSR2-related condition. Last evaluated: 2024-11-25. Review status: criteria provided, single submitter. Criteria: ACMG Guidelines, 2015. Collection method: clinical testing. Allele origin: germline.
Comment: This variant is classified as likely benign based on ACMG/AMP sequence variant interpretation guidelines (Richards et al. 2015 PMID: 25741868, with internal and published modifications).